The following is an entry in ClinVar:

ClinVar aggregate classification (germline): Likely benign (1 of 4 stars; one submission).

Conditions:
AHDC1-related disorder. Also called: AHDC1-related condition.

Submission:

PreventionGenetics, part of Exact Sciences
Classification: Likely benign for AHDC1-related condition. Last evaluated: 2025-10-14. Review status: criteria provided, single submitter. Criteria: ACMG Guidelines, 2015. Collection method: clinical testing. Allele origin: germline.
Comment: This variant is classified as likely benign based on ACMG/AMP sequence variant interpretation guidelines (Richards et al. 2015 PMID: 25741868, with internal and published modifications).

NM_001371928.1(AHDC1):c.4812G>A (p.Ter1604=)

Gene: AHDC1 (AT-hook DNA binding motif containing 1; minus strand). Cytogenetic location: 1p36.11.
Variant type: single nucleotide variant.
Coding change: c.4812G>A on transcript NM_001371928.1 (MANE Select); coding-DNA position 4812, G replaced by A.
Protein change: p.Ter1604=.
Molecular consequence: synonymous variant.
Genome position (GRCh38, 1-based): chr1:27,547,304, C>T on the plus strand (G>A on the coding strand, the complement: AHDC1 is on the minus strand). VCF-style: chr1-27547304-C-T. GRCh37 (hg19) VCF-style: chr1-27873815-C-T.
Other names: c.4812G>A, p.Ter1604= (NM_001029882.3).
Identifiers: ClinVar variation 4991931 (VCV004991931.1).